The following is an entry in ClinVar:

NM_002691.4(POLD1):c.2861C>T (p.Thr954Met)

Gene: POLD1 (DNA polymerase delta 1, catalytic subunit; plus strand). Cytogenetic location: 19q13.33.
Variant type: single nucleotide variant.
Coding change: c.2861C>T on transcript NM_002691.4 (MANE Select); coding-DNA position 2861, C replaced by T.
Protein change: p.Thr954Met; replaces threonine 954 with methionine.
Molecular consequence: missense variant. On other transcripts: non-coding transcript variant (1).
Genome position (GRCh38, 1-based): chr19:50,416,436, C>T. VCF-style: chr19-50416436-C-T. GRCh37 (hg19) VCF-style: chr19-50919693-C-T.
Other names: c.2861C>T, p.Thr954Met (NM_001256849.1); c.2939C>T, p.Thr980Met (NM_001308632.1); c.2861C>T (NM_002691.2); short protein forms T954M, T980M.
Identifiers: ClinVar variation 239315 (VCV000239315.25), dbSNP rs374016016, ClinGen allele CA9596676.

ClinVar aggregate classification (germline): Conflicting classifications of pathogenicity. Review status: criteria provided, conflicting classifications (1 of 4 stars). 8 submissions from 8 submitters: Uncertain significance (6); Likely benign (1). 1 of the submissions does not count toward it. Last evaluated 2026-01-26.

Conditions:
Hereditary cancer-predisposing syndrome. Also called: Hereditary Cancer Syndrome; Neoplastic Syndromes, Hereditary; Hereditary neoplastic syndrome; Tumor predisposition. Identifiers: Orphanet 140162, MedGen C0027672, MeSH D009386, MONDO:0015356.
POLD1-related polyposis and colorectal cancer syndrome (CRCS10). Also called: COLORECTAL CANCER, SUSCEPTIBILITY TO, ON CHROMOSOME 19q; Colorectal cancer 10; Colorectal cancer, susceptibility to, 10. Identifiers: Orphanet 220460, MedGen C2675481, MONDO:0012953, OMIM 612591.
POLD1-related disorder. Also called: POLD1-related condition; POLD1-related disorders.

Allele frequency attached by ClinVar (database versions not stated): TOPMed 0.00006; ESP Exome Variant Server 0.00008.
gnomAD v4.1: 155 of 1,549,842 alleles (0.01%); highest among the groups gnomAD compares: Non-Finnish European, 0.011%; no homozygotes.

Submissions (8):

Labcorp Genetics (formerly Invitae), Labcorp
Classification: Uncertain significance for POLD1-related polyposis and colorectal cancer syndrome. Last evaluated: 2026-01-26. Review status: criteria provided, single submitter. Criteria: Invitae Variant Classification Sherloc (09022015). Collection method: clinical testing. Allele origin: germline.
Comment: This sequence change replaces threonine, which is neutral and polar, with methionine, which is neutral and non-polar, at codon 954 of the POLD1 protein (p.Thr954Met). This variant is present in population databases (rs374016016, gnomAD 0.02%). This variant has not been reported in the literature in individuals affected with POLD1-related conditions. ClinVar contains an entry for this variant (Variation ID: 239315). Invitae Evidence Modeling of protein sequence and biophysical properties (such as structural, functional, and spatial information, amino acid conservation, physicochemical variation, residue mobility, and thermodynamic stability) indicates that this missense variant is expected to disrupt POLD1 protein function with a positive predictive value of 80%. In summary, the available evidence is currently insufficient to determine the role of this variant in disease. Therefore, it has been classified as a Variant of Uncertain Significance.

PreventionGenetics, part of Exact Sciences
Classification: Uncertain significance for POLD1-related condition. Last evaluated: 2025-07-15. Review status: criteria provided, single submitter. Criteria: ACMG Guidelines, 2015. Collection method: clinical testing. Allele origin: germline.
Comment: The POLD1 c.2861C>T variant is predicted to result in the amino acid substitution p.Thr954Met. This variant has been reported in the unaffected control population in a study of individuals with familial colorectal carcinomas (Arora et al. 2015. PubMed ID: 26344056). This variant is reported in 0.020% of alleles in individuals of European (Finnish) descent in gnomAD and is listed as a variant of uncertain significance in the ClinVar database. At this time, the clinical significance of this variant is uncertain due to the absence of conclusive functional and genetic evidence.

GeneDx
Classification: Uncertain significance. Last evaluated: 2025-07-09. Review status: criteria provided, single submitter. Criteria: GeneDx Variant Classification Process June 2021. Collection method: clinical testing. Allele origin: germline. Affected: yes.
Comment: In silico analysis supports that this missense variant has a deleterious effect on protein structure/function; Observed in control subjects without personal history of colorectal cancer, but not in any colorectal cancer cases (PMID: 26344056); Published functional studies demonstrate no damaging effect: did not increase relative mutation rate in yeast assay (PMID: 38219146); This variant is associated with the following publications: (PMID: 26344056, 31068090, 38219146, VandePerreP2024[preprint])

Ambry Genetics
Classification: Uncertain significance for Hereditary cancer-predisposing syndrome. Last evaluated: 2024-12-06. Review status: criteria provided, single submitter. Criteria: Ambry Variant Classification Scheme 2023. Collection method: clinical testing. Allele origin: germline.
Comment: The p.T954M variant (also known as c.2861C>T), located in coding exon 22 of the POLD1 gene, results from a C to T substitution at nucleotide position 2861. The threonine at codon 954 is replaced by methionine, an amino acid with similar properties. This amino acid position is highly conserved in available vertebrate species. In addition, this alteration is predicted to be tolerated by in silico analysis. Based on the available evidence, the clinical significance of this variant remains unclear.

Blueprint Genetics
Classification: Likely benign. Last evaluated: 2024-10-17. Review status: criteria provided, single submitter. Criteria: ACMG Guidelines, 2015. Collection method: clinical testing. Allele origin: germline.

Institute for Clinical Genetics, University Hospital TU Dresden, University Hospital TU Dresden
Classification: Uncertain significance. Last evaluated: 2021-11-03. Review status: criteria provided, single submitter. Criteria: ACMG Guidelines, 2015. Collection method: clinical testing. Allele origin: germline.

Quest Diagnostics Nichols Institute San Juan Capistrano
Classification: Uncertain significance. Last evaluated: 2019-09-05. Review status: criteria provided, single submitter. Criteria: Quest Diagnostics criteria. Collection method: clinical testing. Allele origin: unknown.

Department of Pathology and Laboratory Medicine, Sinai Health System
Classification: Uncertain significance. Review status: no assertion criteria provided. Collection method: clinical testing. Allele origin: unknown. Affected: yes. Study: The Canadian Open Genetics Repository (COGR). Not counted in ClinVar's aggregate classification.